The following is an entry in ClinVar:

ClinVar aggregate classification (germline): Uncertain significance. Review status: criteria provided, multiple submitters, no conflicts (2 of 4 stars). 2 submissions from 2 submitters: Uncertain significance (2). Last evaluated 2024-12-23.

Conditions:
Hereditary cancer-predisposing syndrome. Also called: Neoplastic Syndromes, Hereditary; Tumor predisposition; Hereditary Cancer Syndrome; Hereditary neoplastic syndrome. Identifiers: Orphanet 140162, MedGen C0027672, MeSH D009386, MONDO:0015356.
Familial cancer of breast. Also called: hereditary breast carcinoma; Hereditary breast cancer; BREAST CANCER, FAMILIAL. Identifiers: Orphanet 227535, MedGen C0346153, MONDO:0016419, OMIM 114480. Disease mechanism: loss of function.

Submissions (2):

Color Diagnostics, LLC DBA Color Health
Classification: Uncertain significance for Hereditary cancer-predisposing syndrome. Last evaluated: 2024-12-23. Review status: criteria provided, single submitter. Criteria: ACMG Guidelines, 2015. Collection method: clinical testing. Allele origin: germline.
Comment: This missense variant replaces leucine with glutamine at codon 280 of the CHEK2 protein. Computational prediction is inconclusive regarding the impact of this variant on protein structure and function (internally defined REVEL score threshold 0.5 < inconclusive < 0.7, PMID: 27666373). To our knowledge, functional studies have not been reported for this variant. This variant has not been reported in individuals affected with CHEK2-related disorders in the literature. This variant has not been identified in the general population by the Genome Aggregation Database (gnomAD). The available evidence is insufficient to determine the role of this variant in disease conclusively. Therefore, this variant is classified as a Variant of Uncertain Significance.

Labcorp Genetics (formerly Invitae), Labcorp
Classification: Uncertain significance for Familial cancer of breast. Last evaluated: 2018-08-19. Review status: criteria provided, single submitter. Criteria: Invitae Variant Classification Sherloc (09022015). Collection method: clinical testing. Allele origin: germline.
Comment: This variant is not present in population databases (ExAC no frequency). In summary, the available evidence is currently insufficient to determine the role of this variant in disease. Therefore, it has been classified as a Variant of Uncertain Significance. Algorithms developed to predict the effect of missense changes on protein structure and function are either unavailable or do not agree on the potential impact of this missense change (SIFT: "Deleterious"; PolyPhen-2: "Probably Damaging"; Align-GVGD: "Class C0"). This variant has not been reported in the literature in individuals with CHEK2-related disease. This sequence change replaces leucine with glutamine at codon 280 of the CHEK2 protein (p.Leu280Gln). The leucine residue is moderately conserved and there is a moderate physicochemical difference between leucine and glutamine.

NM_007194.4(CHEK2):c.839T>A (p.Leu280Gln)

Gene: CHEK2 (checkpoint kinase 2; minus strand). Cytogenetic location: 22q12.1.
Variant type: single nucleotide variant.
Coding change: c.839T>A on transcript NM_007194.4 (MANE Select); coding-DNA position 839, T replaced by A.
Protein change: p.Leu280Gln; replaces leucine 280 with glutamine.
Molecular consequence: missense variant.
Genome position (GRCh38, 1-based): chr22:28,710,013, A>T on the plus strand (T>A on the coding strand, the complement: CHEK2 is on the minus strand). VCF-style: chr22-28710013-A-T. GRCh37 (hg19) VCF-style: chr22-29106001-A-T.
Other names: c.968T>A, p.Leu323Gln (NM_001005735.3); c.176T>A, p.Leu59Gln (NM_001257387.3); c.638T>A, p.Leu213Gln (NM_001349956.3); c.839T>A, p.Leu280Gln (NM_145862.3); short protein forms L280Q, L213Q, L59Q, L323Q.
Identifiers: ClinVar variation 650824 (VCV000650824.9), dbSNP rs1490781911, ClinGen allele CA411102290.